The following is an entry in ClinVar:

ClinVar aggregate classification (germline): Likely benign (1 of 4 stars; one submission).

Conditions:
PLXNA1-related disorder. Also called: PLXNA1-related condition.

gnomAD v4.1: 7 of 1,613,694 alleles (0.00043%); highest among the groups gnomAD compares: South Asian, 0.0011%; no homozygotes.

Submission:

PreventionGenetics, part of Exact Sciences
Classification: Likely benign for PLXNA1-related condition. Last evaluated: 2024-10-11. Review status: criteria provided, single submitter. Criteria: ACMG Guidelines, 2015. Collection method: clinical testing. Allele origin: germline.
Comment: This variant is classified as likely benign based on ACMG/AMP sequence variant interpretation guidelines (Richards et al. 2015 PMID: 25741868, with internal and published modifications).

NM_032242.4(PLXNA1):c.2403C>T (p.Asn801=)

Gene: PLXNA1 (plexin A1; plus strand). Cytogenetic location: 3q21.3.
Variant type: single nucleotide variant.
Coding change: c.2403C>T on transcript NM_032242.4 (MANE Select); coding-DNA position 2403, C replaced by T.
Protein change: p.Asn801=; no amino-acid change (asparagine 801 retained).
Molecular consequence: synonymous variant.
Genome position (GRCh38, 1-based): chr3:127,014,109, C>T. VCF-style: chr3-127014109-C-T. GRCh37 (hg19) VCF-style: chr3-126732952-C-T.
Identifiers: ClinVar variation 5001370 (VCV005001370.1).
Genomic context (GRCh38, chr3:127,014,109, plus strand): 5'-CCTGCCAGTGAACCTGTCAGTCGTGTGGAACGGCAACTTTGTCATTGACAACCCACAGAA[C>T]ATCCAGGGTGAGTGGGCGCCCCGGCGGGGTGGGCAGTGGGCGGGCCCGAGCTGACCGCAC-3'
Protein context (NP_115618.3, residues 791-811): NGNFVIDNPQ[Asn801=]IQAHLYKCPA